The following is an entry in ClinVar:

ClinVar aggregate classification (germline): Likely benign (1 of 4 stars; one submission).

Allele frequency attached by ClinVar (database versions not stated): TOPMed 0.00045; gnomAD exomes 0.00048; 1000 Genomes Project 30x 0.00062; ESP Exome Variant Server 0.00077; 1000 Genomes Project 0.00080; ExAC 0.00089.
gnomAD v4.1: 789 of 1,614,150 alleles (0.049%); highest among the groups gnomAD compares: South Asian, 0.27%; 2 homozygotes.

Submission:

CeGaT Center for Human Genetics Tuebingen
Classification: Likely benign. Last evaluated: 2022-03-01. Review status: criteria provided, single submitter. Criteria: CeGaT Center For Human Genetics Tuebingen Variant Classification Criteria Version 2. Collection method: clinical testing. Allele origin: germline. Affected: yes. Observed: 1 variant allele.
Comment: UTP20: BP4

NM_014503.3(UTP20):c.7840G>A (p.Gly2614Ser)

Gene: UTP20 (UTP20 small subunit processome component; plus strand). Cytogenetic location: 12q23.2.
Variant type: single nucleotide variant.
Coding change: c.7840G>A on transcript NM_014503.3 (MANE Select); coding-DNA position 7840, G replaced by A.
Protein change: p.Gly2614Ser; replaces glycine 2614 with serine.
Molecular consequence: missense variant.
Genome position (GRCh38, 1-based): chr12:101,383,224, G>A. VCF-style: chr12-101383224-G-A. GRCh37 (hg19) VCF-style: chr12-101777002-G-A.
Other names: short protein forms G2614S.
Identifiers: ClinVar variation 2643235 (VCV002643235.24), dbSNP rs148427016, ClinGen allele CA6743795.